The following is an entry in ClinVar:

ClinVar aggregate classification (germline): Pathogenic/Likely pathogenic. Review status: criteria provided, multiple submitters, no conflicts (2 of 4 stars). 3 submissions from 3 submitters: Pathogenic (1); Likely pathogenic (2). Last evaluated 2024-10-16.

Conditions:
TTC7A-related disorder. Also called: TTC7A-related condition.
Gastrointestinal defects and immunodeficiency syndrome 1 (GIDID1). Also called: Combined immunodeficiency-enteropathy spectrum. Identifiers: Orphanet 436252, MedGen C5968858, MONDO:0800030, OMIM 243150.
Multiple gastrointestinal atresias. Also called: FAMILIAL INTESTINAL POLYATRESIA SYNDROME; Multiple intestinal atresia. Identifiers: Orphanet 2300, MedGen C0220744, MONDO:0009465.

Allele frequency attached by ClinVar (database versions not stated): gnomAD exomes below 0.00001.
gnomAD v4.1: 29 of 1,608,804 alleles (0.0018%); highest among the groups gnomAD compares: Non-Finnish European, 0.0024%; no homozygotes.

Submissions (3):

PreventionGenetics, part of Exact Sciences
Classification: Likely pathogenic for TTC7A-related condition. Last evaluated: 2024-10-16. Review status: criteria provided, single submitter. Criteria: ACMG Guidelines, 2015. Collection method: clinical testing. Allele origin: germline.
Comment: The TTC7A c.2146C>T variant is predicted to result in premature protein termination (p.Gln716*). To our knowledge, this variant has not been reported in the literature. This variant is present in 1 allele out 243,788 alleles in gnomAD. Nonsense variants in TTC7A have been reported in individuals with gastrointestinal defects and immunodeficiency syndrome and are expected to be pathogenic (Chen et al. 2013. PubMed ID: 23830146; Bigorgne et al. 2014. PubMed ID: 24292712). This variant is interpreted as likely pathogenic.

Fulgent Genetics
Classification: Likely pathogenic for Gastrointestinal defects and immunodeficiency syndrome 1. Last evaluated: 2024-06-10. Review status: criteria provided, single submitter. Criteria: ACMG Guidelines, 2015. Collection method: clinical testing. Allele origin: germline.

Labcorp Genetics (formerly Invitae), Labcorp
Classification: Pathogenic for Multiple gastrointestinal atresias. Last evaluated: 2021-05-18. Review status: criteria provided, single submitter. Criteria: Invitae Variant Classification Sherloc (09022015). Collection method: clinical testing. Allele origin: germline.
Comment: This sequence change creates a premature translational stop signal (p.Gln716*) in the TTC7A gene. It is expected to result in an absent or disrupted protein product. Loss-of-function variants in TTC7A are known to be pathogenic (PMID: 23830146, 24292712). This variant is not present in population databases (ExAC no frequency). This variant has not been reported in the literature in individuals with TTC7A-related conditions. For these reasons, this variant has been classified as Pathogenic.

Literature cited by the submitters: PubMed 23830146 (cited by Labcorp Genetics (formerly Invitae), Labcorp); PubMed 24292712 (cited by Labcorp Genetics (formerly Invitae), Labcorp).

NM_020458.4(TTC7A):c.2146C>T (p.Gln716Ter)

Gene: TTC7A (tetratricopeptide repeat domain 7A; plus strand). Cytogenetic location: 2p21.
Variant type: single nucleotide variant.
Coding change: c.2146C>T on transcript NM_020458.4 (MANE Select); coding-DNA position 2146, C replaced by T.
Protein change: p.Gln716Ter; replaces glutamine 716 with a stop codon.
Molecular consequence: nonsense.
Genome position (GRCh38, 1-based): chr2:47,051,874, C>T. VCF-style: chr2-47051874-C-T. GRCh37 (hg19) VCF-style: chr2-47279013-C-T.
Other names: c.2218C>T, p.Gln740Ter (NM_001288951.2); c.2044C>T, p.Gln682Ter (NM_001288953.2); c.1084C>T, p.Gln362Ter (NM_001288955.2); c.2218C>T (NM_001288951.1); c.2146C>T (NM_020458.3); short protein forms Q362*, Q716*, Q740*, Q682*.
Identifiers: ClinVar variation 1409221 (VCV001409221.8), dbSNP rs762685822, ClinGen allele CA346713885.